The following is an entry in ClinVar:

ClinVar aggregate classification (germline): Uncertain significance. Review status: criteria provided, multiple submitters, no conflicts (2 of 4 stars). 3 submissions from 3 submitters: Uncertain significance (2). 1 of the submissions does not count toward it. Last evaluated 2025-12-20.

Conditions:
Bloom syndrome (BLM). Also called: Bloom-Torre-Machacek syndrome. Identifiers: Orphanet 125, MedGen C0005859, MONDO:0008876, OMIM 210900.
Hereditary cancer-predisposing syndrome. Also called: Hereditary Cancer Syndrome; Tumor predisposition; Neoplastic Syndromes, Hereditary; Hereditary neoplastic syndrome. Identifiers: Orphanet 140162, MedGen C0027672, MeSH D009386, MONDO:0015356.

Allele frequency attached by ClinVar (database versions not stated): gnomAD exomes below 0.00001; ExAC 0.00001.
gnomAD v4.1: 5 of 1,606,188 alleles (0.00031%); highest among the groups gnomAD compares: Non-Finnish European, 0.00043%; no homozygotes.

Submissions (3):

Ambry Genetics
Classification: Uncertain significance for Hereditary cancer-predisposing syndrome. Last evaluated: 2025-12-20. Review status: criteria provided, single submitter. Criteria: Ambry Variant Classification Scheme 2023. Collection method: clinical testing. Allele origin: germline.
Comment: The p.H1019P variant (also known as c.3056A>C), located in coding exon 15 of the BLM gene, results from an A to C substitution at nucleotide position 3056. The histidine at codon 1019 is replaced by proline, an amino acid with similar properties. This amino acid position is highly conserved in available vertebrate species. In addition, this alteration is predicted to be deleterious by in silico analysis. Since supporting evidence is limited at this time, the clinical significance of this alteration remains unclear.

Labcorp Genetics (formerly Invitae), Labcorp
Classification: Uncertain significance for Bloom syndrome. Last evaluated: 2025-05-11. Review status: criteria provided, single submitter. Criteria: Invitae Variant Classification Sherloc (09022015). Collection method: clinical testing. Allele origin: germline.
Comment: This sequence change replaces histidine, which is basic and polar, with proline, which is neutral and non-polar, at codon 1019 of the BLM protein (p.His1019Pro). This variant is not present in population databases (gnomAD no frequency). This variant has not been reported in the literature in individuals affected with BLM-related conditions. ClinVar contains an entry for this variant (Variation ID: 822740). Invitae Evidence Modeling of protein sequence and biophysical properties (such as structural, functional, and spatial information, amino acid conservation, physicochemical variation, residue mobility, and thermodynamic stability) indicates that this missense variant is expected to disrupt BLM protein function with a positive predictive value of 80%. In summary, the available evidence is currently insufficient to determine the role of this variant in disease. Therefore, it has been classified as a Variant of Uncertain Significance.

Natera, Inc.
Classification: Uncertain significance for Bloom syndrome. Last evaluated: 2020-08-17. Review status: no assertion criteria provided. Collection method: clinical testing. Allele origin: germline. Not counted in ClinVar's aggregate classification.

NM_000057.4(BLM):c.3056A>C (p.His1019Pro)

Gene: BLM (BLM RecQ like helicase; plus strand). Cytogenetic location: 15q26.1.
Variant type: single nucleotide variant.
Coding change: c.3056A>C on transcript NM_000057.4 (MANE Select); coding-DNA position 3056, A replaced by C.
Protein change: p.His1019Pro; replaces histidine 1019 with proline.
Molecular consequence: missense variant.
Genome position (GRCh38, 1-based): chr15:90,794,203, A>C. VCF-style: chr15-90794203-A-C. GRCh37 (hg19) VCF-style: chr15-91337433-A-C.
Other names: c.3056A>C, p.His1019Pro (NM_001287246.2, NM_001287247.2); c.1931A>C, p.His644Pro (NM_001287248.2); short protein forms H644P, H1019P.
Identifiers: ClinVar variation 822740 (VCV000822740.17), dbSNP rs769982824, ClinGen allele CA7738932.
Genomic context (GRCh38, chr15:90,794,203, plus strand): 5'-TACTATAGTCTTCATCTCTTTTAGTGGAAAAAGATGGAAACCATCATACAAGAGAAACTC[A>C]CTTCAATAATTTGTATAGCATGGTACATTACTGTGAAAATATAACGGAATGCAGGAGAAT-3'
Protein context (NP_000048.1, residues 1009-1029): KDGNHHTRET[His1019Pro]FNNLYSMVHY